The following is an entry in ClinVar:

ClinVar aggregate classification (germline): Uncertain significance (1 of 4 stars; one submission).

Allele frequency attached by ClinVar (database versions not stated): TOPMed 0.00001.

Submission:

Labcorp Genetics (formerly Invitae), Labcorp
Classification: Uncertain significance. Last evaluated: 2024-11-05. Review status: criteria provided, single submitter. Criteria: Invitae Variant Classification Sherloc (09022015). Collection method: clinical testing. Allele origin: germline.
Comment: This sequence change affects the initiator methionine of the KANK1 mRNA. The next in-frame methionine is located at codon 159. This variant is present in population databases (no rsID available, gnomAD 0.0009%). This variant has not been reported in the literature in individuals affected with KANK1-related conditions. ClinVar contains an entry for this variant (Variation ID: 2104682). Experimental studies and prediction algorithms are not available or were not evaluated, and the functional significance of this variant is currently unknown. In summary, the available evidence is currently insufficient to determine the role of this variant in disease. Therefore, it has been classified as a Variant of Uncertain Significance.

NM_015158.5(KANK1):c.1A>T (p.Met1Leu)

Genes: KANK1 (KN motif and ankyrin repeat domains 1; plus strand), KANK1-AS1 (KANK1 antisense RNA 1; minus strand). Cytogenetic location: 9p24.3.
Variant type: single nucleotide variant.
Coding change: c.1A>T on transcript NM_015158.5 (MANE Select); coding-DNA position 1, A replaced by T.
Protein change: p.Met1Leu; changes the start codon (methionine 1).
Molecular consequence: missense variant, initiator codon variant. On other transcripts: 5 prime UTR variant (1).
Genome position (GRCh38, 1-based): chr9:676,973, A>T. VCF-style: chr9-676973-A-T. GRCh37 (hg19) VCF-style: chr9-676973-A-T.
Other names: c.1A>T, p.Met1Leu (NM_001256876.3, NM_001256877.3, NM_001354331.2 and 2 more transcripts); c.-507A>T (NM_001354333.2); short protein forms M1L.
Identifiers: ClinVar variation 2104682 (VCV002104682.5), dbSNP rs1485932719, ClinGen allele CA372745241.